The following is an entry in ClinVar:

NM_001173990.3(TMEM216):c.26C>T (p.Ala9Val)

Gene: TMEM216 (transmembrane protein 216; plus strand). Cytogenetic location: 11q12.2.
Variant type: single nucleotide variant.
Coding change: c.26C>T on transcript NM_001173990.3 (MANE Select); coding-DNA position 26, C replaced by T.
Protein change: p.Ala9Val; replaces alanine 9 with valine.
Molecular consequence: missense variant. On other transcripts: 5 prime UTR variant (2).
Genome position (GRCh38, 1-based): chr11:61,392,657, C>T. VCF-style: chr11-61392657-C-T. GRCh37 (hg19) VCF-style: chr11-61160129-C-T.
Other names: c.26C>T (NM_001173990.2); c.26C>T, p.Ala9Val (NM_001173991.3); c.-172C>T (NM_001330285.2, NM_016499.6); short protein forms A9V.
Identifiers: ClinVar variation 991117 (VCV000991117.5), dbSNP rs1441727203, ClinGen allele CA380684506.
Genomic context (GRCh38, chr11:61,392,657, plus strand): 5'-GCGCCGCGCTGCTCCGGGAGCCGCTGTGGCAGCGTATGCTGCCACGGGGACTGAAGATGG[C>T]GCCGCGAGGTGAGATTCCGGAGGTGTGTGAGTCGCTGGTCCCTTTCCCTTCGGTCGCTCC-3'
Protein context (NP_001167461.1, residues 1-19): MLPRGLKM[Ala9Val]PRGKRLSSTP

ClinVar aggregate classification (germline): Uncertain significance. Review status: criteria provided, multiple submitters, no conflicts (2 of 4 stars). 3 submissions from 3 submitters: Uncertain significance (2). 1 of the submissions does not count toward it. Last evaluated 2023-04-20.

Conditions:
Inborn genetic diseases. Identifiers: MedGen C0950123, MeSH D030342.
Joubert syndrome 2 (JBTS2). Also called: CEREBELLOOCULORENAL SYNDROME 2. Identifiers: Orphanet 2318, MedGen C1842577, MONDO:0011963, OMIM 608091.
Joubert syndrome. Also called: Familial aplasia of the vermis; CEREBELLOPARENCHYMAL DISORDER IV; JOUBERT-BOLTSHAUSER SYNDROME. Identifiers: Orphanet 475, MedGen C5979921, MONDO:0018772.

Allele frequency attached by ClinVar (database versions not stated): gnomAD exomes 0.00001; TOPMed 0.00001; gnomAD 0.00002.

Submissions (3):

Ambry Genetics
Classification: Uncertain significance for Inborn genetic diseases. Last evaluated: 2023-04-20. Review status: criteria provided, single submitter. Criteria: Ambry Variant Classification Scheme 2023. Collection method: clinical testing. Allele origin: germline.

Labcorp Genetics (formerly Invitae), Labcorp
Classification: Uncertain significance for Joubert syndrome. Last evaluated: 2022-07-15. Review status: criteria provided, single submitter. Criteria: Invitae Variant Classification Sherloc (09022015). Collection method: clinical testing. Allele origin: germline.
Comment: This sequence change replaces alanine, which is neutral and non-polar, with valine, which is neutral and non-polar, at codon 9 of the TMEM216 protein (p.Ala9Val). This variant is present in population databases (no rsID available, gnomAD 0.004%). This variant has not been reported in the literature in individuals affected with TMEM216-related conditions. ClinVar contains an entry for this variant (Variation ID: 991117). Algorithms developed to predict the effect of missense changes on protein structure and function are either unavailable or do not agree on the potential impact of this missense change (SIFT: "Deleterious"; PolyPhen-2: "Benign"; Align-GVGD: "Class C0"). Algorithms developed to predict the effect of sequence changes on RNA splicing suggest that this variant may create or strengthen a splice site. In summary, the available evidence is currently insufficient to determine the role of this variant in disease. Therefore, it has been classified as a Variant of Uncertain Significance.

Natera, Inc.
Classification: Uncertain significance for Joubert syndrome type 2. Last evaluated: 2020-04-14. Review status: no assertion criteria provided. Collection method: clinical testing. Allele origin: germline. Not counted in ClinVar's aggregate classification.